The following is an entry in ClinVar:

ClinVar aggregate classification (germline): Uncertain significance. Review status: criteria provided, multiple submitters, no conflicts (2 of 4 stars). 2 submissions from 2 submitters: Uncertain significance (2). Last evaluated 2024-11-10.

Conditions:
Autosomal dominant Parkinson disease 8. Also called: Parkinson disease 8, susceptibility to; LRRK2-Related Parkinson Disease; Parkinson disease 8. Identifiers: Orphanet 411602, MedGen C1846862, MONDO:0011764, OMIM 607060.
Inborn genetic diseases. Identifiers: MedGen C0950123, MeSH D030342.

Allele frequency attached by ClinVar (database versions not stated): gnomAD exomes below 0.00001; TOPMed below 0.00001; gnomAD 0.00001.
gnomAD v4.1: 2 of 1,605,716 alleles (0.00012%); highest among the groups gnomAD compares: Non-Finnish European, 0.00017%; no homozygotes.

Submissions (2):

Ambry Genetics
Classification: Uncertain significance for Inborn genetic diseases. Last evaluated: 2024-11-10. Review status: criteria provided, single submitter. Criteria: Ambry Variant Classification Scheme 2023. Collection method: clinical testing. Allele origin: germline.
Comment: The p.M2521I variant (also known as c.7563G>A), located in coding exon 51 of the LRRK2 gene, results from a G to A substitution at nucleotide position 7563. The methionine at codon 2521 is replaced by isoleucine, an amino acid with highly similar properties. This amino acid position is conserved. In addition, the in silico prediction for this alteration is inconclusive. Since supporting evidence is limited at this time, the clinical significance of this alteration remains unclear.

Labcorp Genetics (formerly Invitae), Labcorp
Classification: Uncertain significance for Autosomal dominant Parkinson disease 8. Last evaluated: 2022-02-12. Review status: criteria provided, single submitter. Criteria: Invitae Variant Classification Sherloc (09022015). Collection method: clinical testing. Allele origin: germline.
Comment: In summary, the available evidence is currently insufficient to determine the role of this variant in disease. Therefore, it has been classified as a Variant of Uncertain Significance. Algorithms developed to predict the effect of missense changes on protein structure and function (SIFT, PolyPhen-2, Align-GVGD) all suggest that this variant is likely to be tolerated. This variant has not been reported in the literature in individuals affected with LRRK2-related conditions. This variant is not present in population databases (gnomAD no frequency). This sequence change replaces methionine, which is neutral and non-polar, with isoleucine, which is neutral and non-polar, at codon 2521 of the LRRK2 protein (p.Met2521Ile).

NM_198578.4(LRRK2):c.7563G>A (p.Met2521Ile)

Gene: LRRK2 (leucine rich repeat kinase 2; plus strand). Cytogenetic location: 12q12.
Variant type: single nucleotide variant.
Coding change: c.7563G>A on transcript NM_198578.4 (MANE Select); coding-DNA position 7563, G replaced by A.
Protein change: p.Met2521Ile; replaces methionine 2521 with isoleucine.
Molecular consequence: missense variant.
Genome position (GRCh38, 1-based): chr12:40,367,744, G>A. VCF-style: chr12-40367744-G-A. GRCh37 (hg19) VCF-style: chr12-40761546-G-A.
Other names: short protein forms M2521I.
Identifiers: ClinVar variation 1759535 (VCV001759535.8), dbSNP rs1367660433, ClinGen allele CA384416245.